The following is an entry in ClinVar:

NM_006059.4(LAMC3):c.522C>G (p.Pro174=)

Gene: LAMC3 (laminin subunit gamma 3; plus strand). Cytogenetic location: 9q34.12.
Variant type: single nucleotide variant.
Coding change: c.522C>G on transcript NM_006059.4 (MANE Select); coding-DNA position 522, C replaced by G.
Protein change: p.Pro174=; no amino-acid change (proline 174 retained).
Molecular consequence: synonymous variant.
Genome position (GRCh38, 1-based): chr9:131,026,433, C>G. VCF-style: chr9-131026433-C-G. GRCh37 (hg19) VCF-style: chr9-133901820-C-G.
Identifiers: ClinVar variation 129471 (VCV000129471.20), dbSNP rs2275136, ClinGen allele CA153508.

ClinVar aggregate classification (germline): Benign. Review status: criteria provided, multiple submitters, no conflicts (2 of 4 stars). 6 submissions from 6 submitters: Benign (5). 1 of the submissions does not count toward it. Last evaluated 2024-11-27.

Conditions:
Occipital pachygyria and polymicrogyria. Identifiers: Orphanet 280640, MedGen C3279875, MONDO:0013583, OMIM 614115.

Allele frequency attached by ClinVar (database versions not stated): 1000 Genomes Project 0.14337; 1000 Genomes Project 30x 0.14569; ESP Exome Variant Server 0.15703; TOPMed 0.17389.
gnomAD v4.1: 214,032 of 1,613,492 alleles (13%); highest among the groups gnomAD compares: African/African-American, 29%; 15,942 homozygotes.

Submissions (6):

Blueprint Genetics
Classification: Benign. Last evaluated: 2024-11-27. Review status: criteria provided, single submitter. Criteria: ACMG Guidelines, 2015. Collection method: clinical testing. Allele origin: germline.

Labcorp Genetics (formerly Invitae), Labcorp
Classification: Benign. Last evaluated: 2024-01-19. Review status: criteria provided, single submitter. Criteria: Invitae Variant Classification Sherloc (09022015). Collection method: clinical testing. Allele origin: germline.

Genome-Nilou Lab
Classification: Benign for Occipital pachygyria and polymicrogyria. Last evaluated: 2021-08-19. Review status: criteria provided, single submitter. Criteria: ACMG Guidelines, 2015. Collection method: clinical testing. Allele origin: germline. Affected: no.

GeneDx
Classification: Benign. Last evaluated: 2015-03-03. Review status: criteria provided, single submitter. Criteria: GeneDx Variant Classification Process June 2021. Collection method: clinical testing. Allele origin: germline. Affected: yes.

Breakthrough Genomics
Classification: Benign. Review status: criteria provided, single submitter. Criteria: ACMG Guidelines, 2015. Collection method: not provided. Allele origin: germline. Inheritance: Autosomal recessive inheritance. Affected: yes.

Genetic Services Laboratory, University of Chicago
Classification: Likely benign for AllHighlyPenetrant. Review status: no assertion criteria provided. Collection method: clinical testing. Allele origin: germline. Inheritance: X-linked inheritance. Not counted in ClinVar's aggregate classification.
Comment: Likely benign based on allele frequency in 1000 Genomes Project or ESP global frequency and its presence in a patient with a rare or unrelated disease phenotype. NOT Sanger confirmed.